The following is an entry in ClinVar:

ClinVar aggregate classification (germline): Uncertain significance. Review status: criteria provided, multiple submitters, no conflicts (2 of 4 stars). 2 submissions from 2 submitters: Uncertain significance (2). Last evaluated 2025-12-30.

Allele frequency attached by ClinVar (database versions not stated): gnomAD exomes 0.00001; ExAC 0.00004; TOPMed 0.00011; gnomAD 0.00009; ESP Exome Variant Server 0.00025.
gnomAD v4.1: 20 of 1,613,056 alleles (0.0012%); highest among the groups gnomAD compares: African/African-American, 0.027%; no homozygotes.

Submissions (2):

Labcorp Genetics (formerly Invitae), Labcorp
Classification: Uncertain significance. Last evaluated: 2025-12-30. Review status: criteria provided, single submitter. Criteria: Invitae Variant Classification Sherloc (09022015). Collection method: clinical testing. Allele origin: germline.
Comment: This sequence change replaces tyrosine, which is neutral and polar, with cysteine, which is neutral and slightly polar, at codon 296 of the SUCLG2 protein (p.Tyr296Cys). This variant is present in population databases (rs374846104, gnomAD 0.03%). This variant has not been reported in the literature in individuals affected with SUCLG2-related conditions. ClinVar contains an entry for this variant (Variation ID: 2855538). An algorithm developed to predict the effect of missense changes on protein structure and function (PolyPhen-2) suggests that this variant is likely to be disruptive. In summary, the available evidence is currently insufficient to determine the role of this variant in disease. Therefore, it has been classified as a Variant of Uncertain Significance.

Ambry Genetics
Classification: Uncertain significance. Last evaluated: 2025-08-08. Review status: criteria provided, single submitter. Criteria: Ambry Variant Classification Scheme 2023. Collection method: clinical testing. Allele origin: germline.

NM_003848.4(SUCLG2):c.887A>G (p.Tyr296Cys)

Gene: SUCLG2 (succinate-CoA ligase GDP-forming subunit beta; minus strand). Cytogenetic location: 3p14.1.
Variant type: single nucleotide variant.
Coding change: c.887A>G on transcript NM_003848.4 (MANE Select); coding-DNA position 887, A replaced by G.
Protein change: p.Tyr296Cys; replaces tyrosine 296 with cysteine.
Molecular consequence: missense variant.
Genome position (GRCh38, 1-based): chr3:67,498,166, T>C on the plus strand (A>G on the coding strand, the complement: SUCLG2 is on the minus strand). VCF-style: chr3-67498166-T-C. GRCh37 (hg19) VCF-style: chr3-67548590-T-C.
Other names: c.887A>G (NM_001177599.1); c.887A>G, p.Tyr296Cys (NM_001177599.2); short protein forms Y296C.
Identifiers: ClinVar variation 2855538 (VCV002855538.4), dbSNP rs374846104, ClinGen allele CA2485864.